The following is an entry in ClinVar:

NM_033225.6(CSMD1):c.2681C>T (p.Thr894Ile)

Gene: CSMD1 (CUB and Sushi multiple domains 1; minus strand). Cytogenetic location: 8p23.2.
Variant type: single nucleotide variant.
Coding change: c.2681C>T on transcript NM_033225.6 (MANE Select); coding-DNA position 2681, C replaced by T.
Protein change: p.Thr894Ile; replaces threonine 894 with isoleucine.
Molecular consequence: missense variant.
Genome position (GRCh38, 1-based): chr8:3,387,595, G>A on the plus strand (C>T on the coding strand, the complement: CSMD1 is on the minus strand). VCF-style: chr8-3387595-G-A. GRCh37 (hg19) VCF-style: chr8-3245117-G-A.
Other names: short protein forms T894I.
Identifiers: ClinVar variation 2350772 (VCV002350772.27), dbSNP rs199588930, ClinGen allele CA4608219.
Genomic context (GRCh38, chr8:3,387,595, plus strand): 5'-TCACAGACGAGGGGCTCGTCGTCACTTAGTGTGTACCCCGGGTCACAGCTGAAAGTCACT[G>A]TGGACCTGATGCCAAAGTCTCCACCGTGGCGATGGCCGTTCACAGGGATGCCCGGGTCCA-3'
Protein context (NP_150094.5, residues 884-904): RHGGDFGIRS[Thr894Ile]VTFSCDPGYT

ClinVar aggregate classification (germline): Conflicting classifications of pathogenicity. Review status: criteria provided, conflicting classifications (1 of 4 stars). 2 submissions from 2 submitters: Uncertain significance (1); Likely benign (1). Last evaluated 2023-09-01.

Allele frequency attached by ClinVar (database versions not stated): gnomAD exomes 0.00004; ExAC 0.00010; 1000 Genomes Project 0.00020; ESP Exome Variant Server 0.00039; TOPMed 0.00042; gnomAD 0.00046; 1000 Genomes Project 30x 0.00047.
gnomAD v4.1: 128 of 1,601,294 alleles (0.008%); highest among the groups gnomAD compares: African/African-American, 0.15%; no homozygotes.

Submissions (2):

CeGaT Center for Human Genetics Tuebingen
Classification: Likely benign. Last evaluated: 2023-09-01. Review status: criteria provided, single submitter. Criteria: CeGaT Center For Human Genetics Tuebingen Variant Classification Criteria Version 2. Collection method: clinical testing. Allele origin: germline. Affected: yes. Observed: 1 variant allele.
Comment: CSMD1: BS1

Ambry Genetics
Classification: Uncertain significance. Last evaluated: 2021-06-22. Review status: criteria provided, single submitter. Criteria: Ambry Variant Classification Scheme 2023. Collection method: clinical testing. Allele origin: germline.